The following is an entry in ClinVar:

ClinVar aggregate classification (germline): Uncertain significance (1 of 4 stars; one submission).

Conditions:
Familial adenomatous polyposis 1 (FAP1). Also called: FAMILIAL ADENOMATOUS POLYPOSIS 1, ATTENUATED; POLYPOSIS, ADENOMATOUS INTESTINAL. Identifiers: MedGen C2713442, MONDO:0021056, OMIM 175100. Disease mechanism: loss of function.

Submission:

Labcorp Genetics (formerly Invitae), Labcorp
Classification: Uncertain significance for Familial adenomatous polyposis 1. Last evaluated: 2021-10-12. Review status: criteria provided, single submitter. Criteria: Invitae Variant Classification Sherloc (09022015). Collection method: clinical testing. Allele origin: germline.
Comment: Algorithms developed to predict the effect of missense changes on protein structure and function are either unavailable or do not agree on the potential impact of this missense change (SIFT: "Tolerated"; PolyPhen-2: "Probably Damaging"; Align-GVGD: "Class C0"). This sequence change replaces proline with serine at codon 1960 of the APC protein (p.Pro1960Ser). The proline residue is highly conserved and there is a moderate physicochemical difference between proline and serine. This variant is not present in population databases (ExAC no frequency). This variant has not been reported in the literature in individuals affected with APC-related conditions. In summary, the available evidence is currently insufficient to determine the role of this variant in disease. Therefore, it has been classified as a Variant of Uncertain Significance.

NM_000038.6(APC):c.5878C>T (p.Pro1960Ser)

Gene: APC (APC regulator of Wnt signaling pathway; plus strand). Cytogenetic location: 5q22.2.
Variant type: single nucleotide variant.
Coding change: c.5878C>T on transcript NM_000038.6 (MANE Select); coding-DNA position 5878, C replaced by T.
Protein change: p.Pro1960Ser; replaces proline 1960 with serine.
Molecular consequence: missense variant.
Genome position (GRCh38, 1-based): chr5:112,841,472, C>T. VCF-style: chr5-112841472-C-T. GRCh37 (hg19) VCF-style: chr5-112177169-C-T.
Other names: c.5878C>T, p.Pro1960Ser (NM_001127510.3, NM_001354895.2); c.5824C>T, p.Pro1942Ser (NM_001127511.3); c.5932C>T, p.Pro1978Ser (NM_001354896.2); c.5908C>T, p.Pro1970Ser (NM_001354897.2); c.5803C>T, p.Pro1935Ser (NM_001354898.2); c.5794C>T, p.Pro1932Ser (NM_001354899.2); c.5755C>T, p.Pro1919Ser (NM_001354900.2); c.5701C>T, p.Pro1901Ser (NM_001354901.2); and 5 more; short protein forms P1800S, P1834S, P1869S, P1960S, P1970S, P1978S, P1677S, P1942S.
Identifiers: ClinVar variation 1524885 (VCV001524885.6), dbSNP rs538199237, ClinGen allele CA16034194.